The following is an entry in ClinVar:

ClinVar aggregate classification (germline): Uncertain significance (1 of 4 stars; one submission).

Conditions:
Gastrointestinal stromal tumor. Also called: Gastrointestinal stroma tumor; Gastrointestinal stromal tumor, somatic. Identifiers: Orphanet 44890, MedGen C0238198, MeSH D046152, MONDO:0011719, OMIM 606764, HP:0100723.

Submission:

Labcorp Genetics (formerly Invitae), Labcorp
Classification: Uncertain significance for Gastrointestinal stromal tumor. Last evaluated: 2021-04-18. Review status: criteria provided, single submitter. Criteria: Invitae Variant Classification Sherloc (09022015). Collection method: clinical testing. Allele origin: germline.
Comment: This sequence change replaces valine with isoleucine at codon 1028 of the PDGFRA protein (p.Val1028Ile). The valine residue is moderately conserved and there is a small physicochemical difference between valine and isoleucine. In summary, the available evidence is currently insufficient to determine the role of this variant in disease. Therefore, it has been classified as a Variant of Uncertain Significance. Algorithms developed to predict the effect of missense changes on protein structure and function output the following: SIFT: "Tolerated"; PolyPhen-2: "Benign"; Align-GVGD: "Class C0". The isoleucine amino acid residue is found in multiple mammalian species, suggesting that this missense change does not adversely affect protein function. These predictions have not been confirmed by published functional studies and their clinical significance is uncertain. This variant has not been reported in the literature in individuals with PDGFRA-related conditions. This variant is not present in population databases (ExAC no frequency).

NM_006206.6(PDGFRA):c.3082G>A (p.Val1028Ile)

Gene: PDGFRA (platelet derived growth factor receptor alpha; plus strand). Cytogenetic location: 4q12.
Variant type: single nucleotide variant.
Coding change: c.3082G>A on transcript NM_006206.6 (MANE Select); coding-DNA position 3082, G replaced by A.
Protein change: p.Val1028Ile; replaces valine 1028 with isoleucine.
Molecular consequence: missense variant.
Genome position (GRCh38, 1-based): chr4:54,290,514, G>A. VCF-style: chr4-54290514-G-A. GRCh37 (hg19) VCF-style: chr4-55156681-G-A.
Other names: c.3157G>A, p.Val1053Ile (NM_001347828.2); c.3082G>A, p.Val1028Ile (NM_001347829.2); c.3121G>A, p.Val1041Ile (NM_001347830.2); short protein forms V1028I, V1041I, V1053I.
Identifiers: ClinVar variation 1498858 (VCV001498858.8), dbSNP rs2110348966, ClinGen allele CA356896338.